The following is an entry in ClinVar:

NM_000051.4(ATM):c.5075_5076del (p.Lys1692fs)

Gene: ATM (ATM serine/threonine kinase; plus strand). Cytogenetic location: 11q22.3.
Variant type: Deletion.
Coding change: c.5075_5076del on transcript NM_000051.4 (MANE Select); coding-DNA positions 5075 to 5076, 2 bases deleted (AA; older notation c.5075_5076delAA).
Protein change: p.Lys1692fs; shifts the reading frame from lysine 1692.
Molecular consequence: frameshift variant.
Genome position (GRCh38, 1-based): chr11:108,299,783-108,299,784, AA deleted; deleting any 2 consecutive bases within chr11:108,299,782-108,299,784 gives the same sequence; the c. name uses the placement nearest the transcript's 3' end. VCF-style (leftmost placement, unchanged base first): chr11-108299781-TAA-T. GRCh37 (hg19) VCF-style: chr11-108170508-TAA-T.
Other names: c.5075_5076del, p.Lys1692fs (NM_001351834.2); short protein forms K1692fs.
Identifiers: ClinVar variation 4077028 (VCV004077028.1).

ClinVar aggregate classification (germline): Likely pathogenic (1 of 4 stars; one submission).

Conditions:
Hereditary cancer-predisposing syndrome. Also called: Tumor predisposition; Neoplastic Syndromes, Hereditary; Hereditary neoplastic syndrome; Hereditary Cancer Syndrome. Identifiers: Orphanet 140162, MedGen C0027672, MeSH D009386, MONDO:0015356.

Submission:

GeneKor MSA
Classification: Likely pathogenic for Hereditary cancer-predisposing syndrome. Last evaluated: 2025-06-25. Review status: criteria provided, single submitter. Criteria: ACMG Guidelines, 2015. Collection method: clinical testing. Allele origin: germline. Affected: yes.
Comment: This sequence change deletes two bases in exon 34 of the ATM mRNA (c.5075_5076del), causing a frameshift after codon 1692. This creates a premature translational stop signal 9 amino acid residues later p.(Lys1692Argfs*9) and is expected to result in an absent or disrupted protein product. Loss-of-function variants in ATM are known to be pathogenic (PMID:23807571, 25614872). Based on the classification criteria set by the ACMG and AMP (PMID:25741868) this variant has been classified as likely pathogenic.

Literature cited by the submitters: PubMed 23807571; PubMed 25614872.